The following is an entry in ClinVar:

ClinVar aggregate classification (germline): Uncertain significance (1 of 4 stars; one submission).

Conditions:
3-methylcrotonyl-CoA carboxylase 2 deficiency. Also called: METHYLCROTONYLGLYCINURIA, TYPE II; 3 alpha methylcrotonyl-CoA carboxylase 2 deficiency; 3 alpha methylcrotonylglycinuria 2; MCC 2 deficiency; Methylcrotonylglycinuria type 2. Identifiers: Orphanet 6, MedGen C1859499, MONDO:0008862, OMIM 210210.

Allele frequency attached by ClinVar (database versions not stated): gnomAD exomes below 0.00001.
gnomAD v4.1: 3 of 1,614,130 alleles (0.00019%); highest among the groups gnomAD compares: South Asian, 0.0022%; no homozygotes.

Submission:

Baylor Genetics
Classification: Uncertain significance for 3-methylcrotonyl-CoA carboxylase 2 deficiency. Last evaluated: 2018-02-16. Review status: criteria provided, single submitter. Criteria: ACMG Guidelines, 2015. Collection method: clinical testing. Allele origin: maternal. Affected: yes.
Comment: This variant was determined to be of uncertain significance according to ACMG Guidelines, 2015 [PMID:25741868].

NM_022132.5(MCCC2):c.1501G>A (p.Asp501Asn)

Gene: MCCC2 (methylcrotonyl-CoA carboxylase subunit 2; plus strand). Cytogenetic location: 5q13.2.
Variant type: single nucleotide variant.
Coding change: c.1501G>A on transcript NM_022132.5 (MANE Select); coding-DNA position 1501, G replaced by A.
Protein change: p.Asp501Asn; replaces aspartic acid 501 with asparagine.
Molecular consequence: missense variant.
Genome position (GRCh38, 1-based): chr5:71,652,681, G>A. VCF-style: chr5-71652681-G-A. GRCh37 (hg19) VCF-style: chr5-70948508-G-A.
Other names: c.1387G>A, p.Asp463Asn (NM_001363147.1); short protein forms D501N, D463N.
Identifiers: ClinVar variation 1032130 (VCV001032130.1), dbSNP rs1391085331, ClinGen allele CA360001092.
Genomic context (GRCh38, chr5:71,652,681, plus strand): 5'-GCCAGTTGTTCACTGAAGCTGACTTACTCATGGCCTCTTTTCCTTTAGTTCTCCAGTGCT[G>A]ATGAAGCGGCTTTAAAAGAGCCCATCATTAAGAAGTTTGAAGAGGAAGGAAACCCTTACT-3'
Protein context (NP_071415.1, residues 491-511): AREGKQFSSA[Asp501Asn]EAALKEPIIK